The following is an entry in ClinVar:

NM_000059.4(BRCA2):c.6846A>C (p.Glu2282Asp)

Gene: BRCA2 (BRCA2 DNA repair associated; plus strand). Cytogenetic location: 13q13.1.
Variant type: single nucleotide variant.
Coding change: c.6846A>C on transcript NM_000059.4 (MANE Select); coding-DNA position 6846, A replaced by C.
Protein change: p.Glu2282Asp; replaces glutamic acid 2282 with aspartic acid.
Molecular consequence: missense variant.
Genome position (GRCh38, 1-based): chr13:32,344,562, A>C. VCF-style: chr13-32344562-A-C. GRCh37 (hg19) VCF-style: chr13-32918699-A-C.
Other names: short protein forms E2282D.
Identifiers: ClinVar variation 572942 (VCV000572942.11), dbSNP rs1566236858, ClinGen allele CA387792615.

ClinVar aggregate classification (germline): Uncertain significance. Review status: criteria provided, multiple submitters, no conflicts (2 of 4 stars). 2 submissions from 2 submitters: Uncertain significance (2). Last evaluated 2025-06-16.

Conditions:
Hereditary breast ovarian cancer syndrome. Also called: BRCA1- and BRCA2-Associated Hereditary Breast and Ovarian Cancer; Hereditary breast and ovarian cancer; Hereditary breast and/or ovarian cancer syndrome; Hereditary breast and ovarian cancer syndrome; Hereditary breast and ovarian cancer syndrome (HBOC); Breast and ovarian cancer. Identifiers: Orphanet 145, MedGen C0677776, MeSH D061325, MONDO:0003582. Disease mechanism: loss of function.
Hereditary cancer-predisposing syndrome. Also called: Neoplastic Syndromes, Hereditary; Hereditary Cancer Syndrome; Tumor predisposition; Hereditary neoplastic syndrome. Identifiers: Orphanet 140162, MedGen C0027672, MeSH D009386, MONDO:0015356.

Submissions (2):

Labcorp Genetics (formerly Invitae), Labcorp
Classification: Uncertain significance for Hereditary breast ovarian cancer syndrome. Last evaluated: 2025-06-16. Review status: criteria provided, single submitter. Criteria: Invitae Variant Classification Sherloc (09022015). Collection method: clinical testing. Allele origin: germline.
Comment: This sequence change replaces glutamic acid, which is acidic and polar, with aspartic acid, which is acidic and polar, at codon 2282 of the BRCA2 protein (p.Glu2282Asp). This variant is not present in population databases (gnomAD no frequency). This variant has not been reported in the literature in individuals affected with BRCA2-related conditions. ClinVar contains an entry for this variant (Variation ID: 572942). Invitae Evidence Modeling of protein sequence and biophysical properties (such as structural, functional, and spatial information, amino acid conservation, physicochemical variation, residue mobility, and thermodynamic stability) indicates that this missense variant is not expected to disrupt BRCA2 protein function with a negative predictive value of 95%. In summary, the available evidence is currently insufficient to determine the role of this variant in disease. Therefore, it has been classified as a Variant of Uncertain Significance.

Ambry Genetics
Classification: Uncertain significance for Hereditary cancer-predisposing syndrome. Last evaluated: 2025-03-27. Review status: criteria provided, single submitter. Criteria: Ambry Variant Classification Scheme 2023. Collection method: clinical testing. Allele origin: germline.
Comment: The p.E2282D variant (also known as c.6846A>C), located in coding exon 11 of the BRCA2 gene, results from an A to C substitution at nucleotide position 6846. The glutamic acid at codon 2282 is replaced by aspartic acid, an amino acid with highly similar properties. This amino acid position is well conserved in available vertebrate species. In addition, the in silico prediction for this alteration is inconclusive. Based on the available evidence, the clinical significance of this variant remains unclear.